The following is an entry in ClinVar:

NM_005902.4(SMAD3):c.67C>T (p.Gln23Ter)

Gene: SMAD3 (SMAD family member 3; plus strand). Cytogenetic location: 15q22.33.
Variant type: single nucleotide variant.
Coding change: c.67C>T on transcript NM_005902.4 (MANE Select); coding-DNA position 67, C replaced by T.
Protein change: p.Gln23Ter; replaces glutamine 23 with a stop codon.
Molecular consequence: nonsense.
Genome position (GRCh38, 1-based): chr15:67,066,221, C>T. VCF-style: chr15-67066221-C-T. GRCh37 (hg19) VCF-style: chr15-67358559-C-T.
Other names: c.67C>T, p.Gln23Ter (NM_001407011.1, NM_001407012.1, NM_001407013.1); short protein forms Q23*.
Identifiers: ClinVar variation 2574086 (VCV002574086.1), dbSNP rs2140188838, ClinGen allele CA393202807.

ClinVar aggregate classification (germline): Likely pathogenic (0 of 4 stars; one submission).

Conditions:
Aneurysm-osteoarthritis syndrome. Also called: ANEURYSMS-OSTEOARTHRITIS SYNDROME; Loeys-Dietz syndrome, type 1C; SMAD3-Related Loeys-Dietz Syndrome; LOEYS-DIETZ SYNDROME WITH OSTEOARTHRITIS. Identifiers: Orphanet 284984, MedGen C3151087, MONDO:0013426, OMIM 613795.

Submission:

deCODE genetics, Amgen
Classification: Likely pathogenic for Aneurysm-osteoarthritis syndrome. Last evaluated: 2023-07-21. Review status: no assertion criteria provided. Collection method: research. Allele origin: germline. Affected: yes. Observed: 1 variant allele.
Comment: The variant NM_005902.4:c.67C>T (chr15:67066221) in SMAD3 was detected in 1 heterozygote out of 58K WGS Icelanders (MAF= 0,001%). This variant has not been reported in ClinVar previously. Based on ACMG criteria (PVS1, PM2) this variant classifies as likely pathogenic.